The following is an entry in ClinVar:

NM_001085487.3(MYSM1):c.994A>T (p.Ile332Leu)

Gene: MYSM1 (Myb like, SWIRM and MPN domains 1; minus strand). Cytogenetic location: 1p32.1.
Variant type: single nucleotide variant.
Coding change: c.994A>T on transcript NM_001085487.3 (MANE Select); coding-DNA position 994, A replaced by T.
Protein change: p.Ile332Leu; replaces isoleucine 332 with leucine.
Molecular consequence: missense variant.
Genome position (GRCh38, 1-based): chr1:58,682,050, T>A on the plus strand (A>T on the coding strand, the complement: MYSM1 is on the minus strand). VCF-style: chr1-58682050-T-A. GRCh37 (hg19) VCF-style: chr1-59147722-T-A.
Other names: c.994A>T (NM_001085487.2); short protein forms I332L.
Identifiers: ClinVar variation 1439498 (VCV001439498.6), dbSNP rs371158428, ClinGen allele CA877925.

ClinVar aggregate classification (germline): Uncertain significance. Review status: criteria provided, multiple submitters, no conflicts (2 of 4 stars). 2 submissions from 2 submitters: Uncertain significance (2). Last evaluated 2025-12-30.

Conditions:
Inborn genetic diseases. Identifiers: MedGen C0950123, MeSH D030342.

Allele frequency attached by ClinVar (database versions not stated): ExAC 0.00002; gnomAD 0.00003; gnomAD exomes 0.00004; TOPMed 0.00004.
gnomAD v4.1: 36 of 1,614,034 alleles (0.0022%); highest among the groups gnomAD compares: East Asian, 0.027%; no homozygotes.

Submissions (2):

Labcorp Genetics (formerly Invitae), Labcorp
Classification: Uncertain significance. Last evaluated: 2025-12-30. Review status: criteria provided, single submitter. Criteria: Invitae Variant Classification Sherloc (09022015). Collection method: clinical testing. Allele origin: germline.
Comment: This sequence change replaces isoleucine, which is neutral and non-polar, with leucine, which is neutral and non-polar, at codon 332 of the MYSM1 protein (p.Ile332Leu). This variant is present in population databases (rs371158428, gnomAD 0.05%). This variant has not been reported in the literature in individuals affected with MYSM1-related conditions. ClinVar contains an entry for this variant (Variation ID: 1439498). Invitae Evidence Modeling of protein sequence and biophysical properties (such as structural, functional, and spatial information, amino acid conservation, physicochemical variation, residue mobility, and thermodynamic stability) indicates that this missense variant is not expected to disrupt MYSM1 protein function with a negative predictive value of 80%. In summary, the available evidence is currently insufficient to determine the role of this variant in disease. Therefore, it has been classified as a Variant of Uncertain Significance.

Ambry Genetics
Classification: Uncertain significance for Inborn genetic diseases. Last evaluated: 2025-05-18. Review status: criteria provided, single submitter. Criteria: Ambry Variant Classification Scheme 2023. Collection method: clinical testing. Allele origin: germline.